The following is an entry in ClinVar:

NM_024818.6(UBA5):c.4G>A (p.Ala2Thr)

Genes: NPHP3-ACAD11 (NPHP3-ACAD11 readthrough (NMD candidate); minus strand), UBA5 (ubiquitin like modifier activating enzyme 5; plus strand). Cytogenetic location: 3q22.1.
Variant type: single nucleotide variant.
Coding change: c.4G>A on transcript NM_024818.6 (MANE Select); coding-DNA position 4, G replaced by A.
Protein change: p.Ala2Thr; replaces alanine 2 with threonine.
Molecular consequence: missense variant. On other transcripts: 5 prime UTR variant (3), intron variant (1).
Genome position (GRCh38, 1-based): chr3:132,660,541, G>A. VCF-style: chr3-132660541-G-A. GRCh37 (hg19) VCF-style: chr3-132379385-G-A.
Other names: c.-515G>A (NM_001320210.2); c.-481G>A (NM_001321238.2); c.-197G>A (NM_001321239.1); c.-7-5282G>A (NM_198329.4); short protein forms A2T.
Identifiers: ClinVar variation 1369182 (VCV001369182.6), dbSNP rs1434532239, ClinGen allele CA354572025.

ClinVar aggregate classification (germline): Uncertain significance (1 of 4 stars; one submission).

Allele frequency attached by ClinVar (database versions not stated): gnomAD exomes 0.00001.
gnomAD v4.1: 13 of 1,548,864 alleles (0.00084%); highest among the groups gnomAD compares: African/African-American, 0.0014%; no homozygotes.

Submission:

Labcorp Genetics (formerly Invitae), Labcorp
Classification: Uncertain significance. Last evaluated: 2021-07-22. Review status: criteria provided, single submitter. Criteria: Invitae Variant Classification Sherloc (09022015). Collection method: clinical testing. Allele origin: germline.
Comment: In summary, the available evidence is currently insufficient to determine the role of this variant in disease. Therefore, it has been classified as a Variant of Uncertain Significance. Algorithms developed to predict the effect of missense changes on protein structure and function are either unavailable or do not agree on the potential impact of this missense change (SIFT: "Not Available"; PolyPhen-2: "Benign"; Align-GVGD: "Not Available"). This variant has not been reported in the literature in individuals affected with UBA5-related conditions. This variant is not present in population databases (ExAC no frequency). This sequence change replaces alanine with threonine at codon 2 of the UBA5 protein (p.Ala2Thr). The alanine residue is moderately conserved and there is a small physicochemical difference between alanine and threonine.